The following is an entry in ClinVar:

NM_001372044.2(SHANK3):c.2220-83G>A

Gene: SHANK3 (SH3 and multiple ankyrin repeat domains 3; plus strand). Cytogenetic location: 22q13.33.
Variant type: single nucleotide variant.
Coding change: c.2220-83G>A on transcript NM_001372044.2 (MANE Select); 83 bases into the intron before coding-DNA position 2220, G replaced by A.
Molecular consequence: intron variant.
Genome position (GRCh38, 1-based): chr22:50,705,989, G>A. VCF-style: chr22-50705989-G-A. GRCh37 (hg19) VCF-style: chr22-51144417-G-A.
Identifiers: ClinVar variation 3027296 (VCV003027296.22), dbSNP rs1203875219, ClinGen allele CA754144625.

ClinVar aggregate classification (germline): Likely benign (1 of 4 stars; one submission).

Allele frequency attached by ClinVar (database versions not stated): gnomAD exomes below 0.00001; TOPMed below 0.00001.

Submission:

CeGaT Center for Human Genetics Tuebingen
Classification: Likely benign. Last evaluated: 2024-02-01. Review status: criteria provided, single submitter. Criteria: CeGaT Center For Human Genetics Tuebingen Variant Classification Criteria Version 2. Collection method: clinical testing. Allele origin: germline. Affected: yes. Observed: 1 variant allele.
Comment: SHANK3: PM2:Supporting, BP4, BP7